The following is an entry in ClinVar:

ClinVar aggregate classification (germline): Benign/Likely benign. Review status: criteria provided, multiple submitters, no conflicts (2 of 4 stars). 24 submissions from 21 submitters: Benign (16); Likely benign (3). 5 of the submissions do not count toward it. Last evaluated 2026-02-04.

Conditions:
Ichthyosis, hystrix-like, with hearing loss. Also called: Hystrix-like ichthyosis with deafness. Identifiers: Orphanet 477, MedGen C1865234, MONDO:0011245.
Palmoplantar keratoderma-deafness syndrome. Also called: Keratoderma palmoplantar, with deafness; Palmoplantar keratoderma and sensorineural deafness; Hereditary palmoplantar keratoderma with deafness (subtype); Focal palmoplantar keratoderma with sensorineural deafness (subtype); Diffuse palmoplantar keratoderma with deafness (subtype). Identifiers: Orphanet 2202, MedGen C1835672, MONDO:0007852, OMIM 148350.
Knuckle pads, deafness AND leukonychia syndrome. Also called: Bart-Pumphrey syndrome. Identifiers: Orphanet 2698, MedGen C0266004, MONDO:0007866, OMIM 149200.
X-linked mixed hearing loss with perilymphatic gusher. Also called: Gusher syndrome; NANCE DEAFNESS; PERILYMPHATIC GUSHER-DEAFNESS SYNDROME; SENSORINEURAL DEAFNESS, PROFOUND, WITH OR WITHOUT A CONDUCTIVE COMPONENT, ASSOCIATED WITH A UNIQUE DEVELOPMENTAL ABNORMALITY OF THE EAR; Deafness, X-linked 2. Identifiers: Orphanet 383, MedGen C1844678, MONDO:0010576, OMIM 304400.
Mutilating keratoderma (VOWNKL). Also called: Keratoderma hereditarium mutilans. Identifiers: Orphanet 494, MedGen C0265964, MONDO:0007422, OMIM 124500.
Autosomal recessive nonsyndromic hearing loss 1A (DFNB1A). Also called: Connexin 26 deafness; Deafness nonsyndromic, Connexin 26 linked; GJB6-Related DFNB 1 Nonsyndromic Hearing Loss and Deafness; Deafness, autosomal recessive 1A; Nonsyndromic Hearing Loss and Deafness, DFNB1; GJB2-Related Autosomal Recessive Nonsyndromic Hearing Loss. Identifiers: Orphanet 90636, MedGen C2673759, MONDO:0009076, OMIM 220290.
Autosomal dominant keratitis-ichthyosis-hearing loss syndrome. Also called: Senter syndrome; KID SYNDROME, AUTOSOMAL DOMINANT; HID SYNDROME. Identifiers: Orphanet 477, MedGen C0265336, MONDO:0007850, OMIM 148210.
Autosomal dominant nonsyndromic hearing loss 3A. Identifiers: Orphanet 90635, MedGen C2675750, MONDO:0011103, OMIM 601544.
Nonsyndromic genetic hearing loss. Also called: Nonsyndromic hearing loss and deafness; Non-syndromic genetic deafness; Nonsyndromic genetic deafness. Identifiers: Orphanet 87884, MedGen C5680182, MONDO:0019497.
Hearing loss, autosomal recessive. Also called: Rare autosomal recessive non-syndromic sensorineural deafness type DFNB; Deafness, autosomal recessive; Autosomal recessive nonsyndromic deafness; Nonsyndromic Hearing Loss, Recessive. Identifiers: Orphanet 90635, Orphanet 90636, MedGen C1846647, MONDO:0019588, OMIM 607197.

Allele frequency attached by ClinVar (database versions not stated): ESP Exome Variant Server 0.00223; TOPMed 0.00233; ExAC 0.01057; gnomAD 0.00414 and 0.00247; gnomAD exomes 0.00925; 1000 Genomes Project 30x 0.01124; 1000 Genomes Project 0.01318.

Submissions 1 to 14 of 24:

Labcorp Genetics (formerly Invitae), Labcorp
Classification: Benign. Last evaluated: 2026-02-04. Review status: criteria provided, single submitter. Criteria: Invitae Variant Classification Sherloc (09022015). Collection method: clinical testing. Allele origin: germline.

Blueprint Genetics
Classification: Benign. Last evaluated: 2024-11-26. Review status: criteria provided, single submitter. Criteria: ACMG Guidelines, 2015. Collection method: clinical testing. Allele origin: germline.

Athena Diagnostics
Classification: Benign. Last evaluated: 2024-11-07. Review status: criteria provided, single submitter. Criteria: Athena Diagnostics Criteria. Collection method: clinical testing. Allele origin: unknown.

ARUP Laboratories, Molecular Genetics and Genomics, ARUP Laboratories
Classification: Benign. Last evaluated: 2023-11-27. Review status: criteria provided, single submitter. Criteria: ARUP Molecular Germline Variant Investigation Process 2024. Collection method: clinical testing. Allele origin: germline.

Fulgent Genetics
Classification: Benign for Mutilating keratoderma; Autosomal dominant keratitis-ichthyosis-hearing loss syndrome; Palmoplantar keratoderma-deafness syndrome; Knuckle pads, deafness AND leukonychia syndrome; Autosomal recessive nonsyndromic hearing loss 1A; X-linked mixed hearing loss with perilymphatic gusher; Autosomal dominant nonsyndromic hearing loss 3A. Last evaluated: 2022-05-11. Review status: criteria provided, single submitter. Criteria: ACMG Guidelines, 2015. Collection method: clinical testing. Allele origin: unknown.

Pars Genome Lab
Classification: Likely benign for Autosomal recessive nonsyndromic hearing loss 1A. Last evaluated: 2021-07-01. Review status: criteria provided, single submitter. Criteria: ACMG Guidelines, 2015. Collection method: clinical testing. Allele origin: germline. Affected: no.

Pars Genome Lab
Classification: Benign for Autosomal dominant nonsyndromic hearing loss 3A. Last evaluated: 2021-07-01. Review status: criteria provided, single submitter. Criteria: ACMG Guidelines, 2015. Collection method: clinical testing. Allele origin: germline. Affected: no.

Mayo Clinic Laboratories, Mayo Clinic
Classification: Benign. Last evaluated: 2021-03-26. Review status: criteria provided, single submitter. Criteria: ACMG Guidelines, 2015. Collection method: clinical testing. Allele origin: germline. Observed: 2 variant alleles.

INGEBI, INGEBI / CONICET
Classification: Benign for Nonsyndromic hearing loss and deafness. Last evaluated: 2020-08-31. Review status: criteria provided, single submitter. Criteria: ClinGen HL ACMG Specifications v1. Collection method: clinical testing. Allele origin: germline. Inheritance: Autosomal recessive inheritance. Affected: yes. Observed: 3 variant alleles. Clinical features observed: Postlingual moderate hearing loss.
Comment: Based on ACMG/AMP guidelines and Hearing Loss Expert Panel specific criteria: the filtering allele frequency of c.457G>A p.Val153Ile in GJB2 gene is 5% (1642/30610 Southeast Asian chromosomes with 95% CI) from Genome Aggregation Database (calculated by using inverse allele frequency at an online resource)), which meets the allele frequency threshold defined by the ClinGen Hearing Loss Expert Panel for considering very strong evidence against pathogenicity for autosomal recessive hearing loss variants (BA1). Functional studies demonstrated that mutants lost their abilities to form functional gap junction channels (PMID: 15241677). However, it was shown that there were not differences between p.Val153Ile mutant and wild-type results in dye transfer assay (Guerci V.I, et al 2007). Therefore, functional data was not counted. Besides, the p.Val153Ile change was detected in trans with c.35delG and in homozygous state in normal-hearing individuals applying to BS2 rule (PMID:11493200, 12746422). In summary, this variant meets criteria to be classified as benign for autosomal recessive non-syndromic hearing loss (BA1 and BS2).

GeneDx
Classification: Benign. Last evaluated: 2018-03-27. Review status: criteria provided, single submitter. Criteria: GeneDx Variant Classification (06012015). Collection method: clinical testing. Allele origin: germline. Affected: yes.
Comment: This variant is considered likely benign or benign based on one or more of the following criteria: it is a conservative change, it occurs at a poorly conserved position in the protein, it is predicted to be benign by multiple in silico algorithms, and/or has population frequency not consistent with disease.

Illumina Laboratory Services, Illumina
Classification: Benign for Autosomal dominant nonsyndromic hearing loss 3A. Last evaluated: 2018-03-06. Review status: criteria provided, single submitter. Criteria: ICSL Variant Classification Criteria 13 December 2019. Collection method: clinical testing. Allele origin: germline.
Comment: This variant was observed in the ICSL laboratory as part of a predisposition screen in an ostensibly healthy population. It had not been previously curated by ICSL or reported in the Human Gene Mutation Database (HGMD: prior to June 1st, 2018), and was therefore a candidate for classification through an automated scoring system. Utilizing variant allele frequency, disease prevalence and penetrance estimates, and inheritance mode, an automated score was calculated to assess if this variant is too frequent to cause the disease. Based on the score and internal cut-off values, a variant classified as benign is not then subjected to further curation. The score for this variant resulted in a classification of benign for this disease.

Illumina Laboratory Services, Illumina
Classification: Benign for Autosomal dominant keratitis-ichthyosis-hearing loss syndrome. Last evaluated: 2018-03-06. Review status: criteria provided, single submitter. Criteria: ICSL Variant Classification Criteria 13 December 2019. Collection method: clinical testing. Allele origin: germline.
Comment: the same text as in the submission from Illumina Laboratory Services, Illumina above.

Illumina Laboratory Services, Illumina
Classification: Likely benign for Autosomal recessive nonsyndromic hearing loss 1A. Last evaluated: 2018-03-06. Review status: criteria provided, single submitter. Criteria: ICSL Variant Classification Criteria 13 December 2019. Collection method: clinical testing. Allele origin: germline.
Comment: This variant was observed in the ICSL laboratory as part of a predisposition screen in an ostensibly healthy population. It had not been previously curated by ICSL or reported in the Human Gene Mutation Database (HGMD: prior to June 1st, 2018), and was therefore a candidate for classification through an automated scoring system. Utilizing variant allele frequency, disease prevalence and penetrance estimates, and inheritance mode, an automated score was calculated to assess if this variant is too frequent to cause the disease. Based on the score and internal cut-off values, a variant classified as likely benign is not then subjected to further curation. The score for this variant resulted in a classification of likely benign for this disease.

Genomic Diagnostic Laboratory, Division of Genomic Diagnostics, Children's Hospital of Philadelphia
Classification: Benign for Deafness, autosomal recessive 1A. Last evaluated: 2017-05-09. Review status: criteria provided, single submitter. Criteria: DGD Variant Analysis Guidelines. Collection method: clinical testing. Allele origin: germline. Affected: yes and no. Observed: 5 variant alleles.

NM_004004.6(GJB2):c.457G>A (p.Val153Ile)

Gene: GJB2 (gap junction protein beta 2; minus strand). Cytogenetic location: 13q12.11.
Variant type: single nucleotide variant.
Coding change: c.457G>A on transcript NM_004004.6 (MANE Select); coding-DNA position 457, G replaced by A.
Protein change: p.Val153Ile; replaces valine 153 with isoleucine.
Molecular consequence: missense variant.
Genome position (GRCh38, 1-based): chr13:20,189,125, C>T on the plus strand (G>A on the coding strand, the complement: GJB2 is on the minus strand). VCF-style: chr13-20189125-C-T. GRCh37 (hg19) VCF-style: chr13-20763264-C-T.
Other names: short protein forms V153I.
Identifiers: ClinVar variation 44754 (VCV000044754.57), dbSNP rs111033186, ClinGen allele CA134975.